The following is an entry in ClinVar:

ClinVar aggregate classification (germline): Uncertain significance. Review status: criteria provided, multiple submitters, no conflicts (2 of 4 stars). 2 submissions from 2 submitters: Uncertain significance (2). Last evaluated 2026-07-28.

Conditions:
Familial adenomatous polyposis 1 (FAP1). Also called: FAMILIAL ADENOMATOUS POLYPOSIS 1, ATTENUATED; POLYPOSIS, ADENOMATOUS INTESTINAL. Identifiers: MedGen C2713442, MONDO:0021056, OMIM 175100. Disease mechanism: loss of function.
Hereditary cancer-predisposing syndrome. Also called: Hereditary neoplastic syndrome; Neoplastic Syndromes, Hereditary; Tumor predisposition; Hereditary Cancer Syndrome. Identifiers: Orphanet 140162, MedGen C0027672, MeSH D009386, MONDO:0015356.

Submissions (2):

Ambry Genetics
Classification: Uncertain significance for Hereditary cancer-predisposing syndrome. Last evaluated: 2026-07-28. Review status: criteria provided, single submitter. Criteria: Ambry Variant Classification Scheme 2023. Collection method: clinical testing. Allele origin: germline.

Labcorp Genetics (formerly Invitae), Labcorp
Classification: Uncertain significance for Familial adenomatous polyposis 1. Last evaluated: 2024-04-18. Review status: criteria provided, single submitter. Criteria: Invitae Variant Classification Sherloc (09022015). Collection method: clinical testing. Allele origin: germline.
Comment: This sequence change replaces serine, which is neutral and polar, with arginine, which is basic and polar, at codon 2044 of the APC protein (p.Ser2044Arg). This variant is not present in population databases (gnomAD no frequency). This variant has not been reported in the literature in individuals affected with APC-related conditions. Advanced modeling of protein sequence and biophysical properties (such as structural, functional, and spatial information, amino acid conservation, physicochemical variation, residue mobility, and thermodynamic stability) performed at Invitae indicates that this missense variant is not expected to disrupt APC protein function with a negative predictive value of 95%. In summary, the available evidence is currently insufficient to determine the role of this variant in disease. Therefore, it has been classified as a Variant of Uncertain Significance.

NM_000038.6(APC):c.6132C>G (p.Ser2044Arg)

Gene: APC (APC regulator of Wnt signaling pathway; plus strand). Cytogenetic location: 5q22.2.
Variant type: single nucleotide variant.
Coding change: c.6132C>G on transcript NM_000038.6 (MANE Select); coding-DNA position 6132, C replaced by G.
Protein change: p.Ser2044Arg; replaces serine 2044 with arginine.
Molecular consequence: missense variant. On other transcripts: non-coding transcript variant (2).
Genome position (GRCh38, 1-based): chr5:112,841,726, C>G. VCF-style: chr5-112841726-C-G. GRCh37 (hg19) VCF-style: chr5-112177423-C-G.
Other names: c.6132C>G, p.Ser2044Arg (NM_001127510.3, NM_001354895.2, NM_001407450.1); c.6078C>G, p.Ser2026Arg (NM_001127511.3); c.6186C>G, p.Ser2062Arg (NM_001354896.2, NM_001407447.1, NM_001407448.1 and 1 more transcripts); c.6162C>G, p.Ser2054Arg (NM_001354897.2); c.6057C>G, p.Ser2019Arg (NM_001354898.2); c.6048C>G, p.Ser2016Arg (NM_001354899.2); c.6009C>G, p.Ser2003Arg (NM_001354900.2); c.5955C>G, p.Ser1985Arg (NM_001354901.2, NM_001407453.1); and 12 more; short protein forms S1761R, S1915R, S2026R, S2037R, S1660R, S1884R, S1961R, S2019R.
Identifiers: ClinVar variation 3635496 (VCV003635496.3).